The following is an entry in ClinVar:

NM_001127222.2(CACNA1A):c.4282G>C (p.Val1428Leu)

Gene: CACNA1A (calcium voltage-gated channel subunit alpha1 A; minus strand). Cytogenetic location: 19p13.13.
Variant type: single nucleotide variant.
Coding change: c.4282G>C on transcript NM_001127222.2 (MANE Select); coding-DNA position 4282, G replaced by C.
Protein change: p.Val1428Leu; replaces valine 1428 with leucine.
Molecular consequence: missense variant.
Genome position (GRCh38, 1-based): chr19:13,259,670, C>G on the plus strand (G>C on the coding strand, the complement: CACNA1A is on the minus strand). VCF-style: chr19-13259670-C-G. GRCh37 (hg19) VCF-style: chr19-13370484-C-G.
Other names: c.4294G>C, p.Val1432Leu (NM_000068.4, NM_023035.3); c.4285G>C, p.Val1429Leu (NM_001127221.2, NM_001174080.2); short protein forms V1428L, V1429L, V1432L.
Identifiers: ClinVar variation 4755900 (VCV004755900.1).

ClinVar aggregate classification (germline): Uncertain significance (1 of 4 stars; one submission).

Submission:

GeneDx
Classification: Uncertain significance. Last evaluated: 2025-08-06. Review status: criteria provided, single submitter. Criteria: GeneDx Variant Classification Process June 2021. Collection method: clinical testing. Allele origin: germline. Affected: yes.
Comment: Not observed at significant frequency in large population cohorts (gnomAD); In silico analysis supports that this missense variant has a deleterious effect on protein structure/function; Has not been previously published as pathogenic or benign to our knowledge